The following is an entry in ClinVar:

ClinVar aggregate classification (germline): Uncertain significance (1 of 4 stars; one submission).

Allele frequency attached by ClinVar (database versions not stated): gnomAD exomes below 0.00001 and 0.00001; ExAC 0.00002; ESP Exome Variant Server 0.00008.
gnomAD v4.1: 5 of 1,614,030 alleles (0.00031%); highest among the groups gnomAD compares: Non-Finnish European, 0.00042%; no homozygotes.

Submission:

Labcorp Genetics (formerly Invitae), Labcorp
Classification: Uncertain significance. Last evaluated: 2021-08-28. Review status: criteria provided, single submitter. Criteria: Invitae Variant Classification Sherloc (09022015). Collection method: clinical testing. Allele origin: germline.
Comment: This sequence change replaces serine with cysteine at codon 512 of the LCA5 protein (p.Ser512Cys). The serine residue is moderately conserved and there is a moderate physicochemical difference between serine and cysteine. This variant is present in population databases (rs150542974, ExAC 0.003%). This variant has not been reported in the literature in individuals affected with LCA5-related conditions. Algorithms developed to predict the effect of missense changes on protein structure and function (SIFT, PolyPhen-2, Align-GVGD) all suggest that this variant is likely to be tolerated. In summary, the available evidence is currently insufficient to determine the role of this variant in disease. Therefore, it has been classified as a Variant of Uncertain Significance.

NM_001122769.3(LCA5):c.1535C>G (p.Ser512Cys)

Gene: LCA5 (lebercilin LCA5; minus strand). Cytogenetic location: 6q14.1.
Variant type: single nucleotide variant.
Coding change: c.1535C>G on transcript NM_001122769.3 (MANE Select); coding-DNA position 1535, C replaced by G.
Protein change: p.Ser512Cys; replaces serine 512 with cysteine.
Molecular consequence: missense variant.
Genome position (GRCh38, 1-based): chr6:79,487,563, G>C on the plus strand (C>G on the coding strand, the complement: LCA5 is on the minus strand). VCF-style: chr6-79487563-G-C. GRCh37 (hg19) VCF-style: chr6-80197280-G-C.
Other names: c.1535C>G, p.Ser512Cys (NM_181714.4); short protein forms S512C.
Identifiers: ClinVar variation 1506965 (VCV001506965.5), dbSNP rs150542974, ClinGen allele CA3900813.